The following is an entry in ClinVar:

ClinVar aggregate classification (germline): Uncertain significance. Review status: criteria provided, multiple submitters, no conflicts (2 of 4 stars). 2 submissions from 2 submitters: Uncertain significance (2). Last evaluated 2025-07-20.

Submissions (2):

Labcorp Genetics (formerly Invitae), Labcorp
Classification: Uncertain significance. Last evaluated: 2025-07-20. Review status: criteria provided, single submitter. Criteria: Invitae Variant Classification Sherloc (09022015). Collection method: clinical testing. Allele origin: germline.
Comment: This sequence change replaces arginine, which is basic and polar, with glutamine, which is neutral and polar, at codon 2105 of the MYO15A protein (p.Arg2105Gln). This variant is present in population databases (rs376459871, gnomAD 0.008%). This variant has not been reported in the literature in individuals affected with MYO15A-related conditions. ClinVar contains an entry for this variant (Variation ID: 3342449). Invitae Evidence Modeling of protein sequence and biophysical properties (such as structural, functional, and spatial information, amino acid conservation, physicochemical variation, residue mobility, and thermodynamic stability) indicates that this missense variant is not expected to disrupt MYO15A protein function with a negative predictive value of 95%. In summary, the available evidence is currently insufficient to determine the role of this variant in disease. Therefore, it has been classified as a Variant of Uncertain Significance.

GeneDx
Classification: Uncertain significance. Last evaluated: 2025-07-12. Review status: criteria provided, single submitter. Criteria: GeneDx Variant Classification Process June 2021. Collection method: clinical testing. Allele origin: germline.
Comment: In silico analysis suggests that this missense variant does not alter protein structure/function; Has not been previously published as pathogenic or benign to our knowledge; In silico analysis suggests this variant may impact gene splicing. In the absence of RNA/functional studies, the actual effect of this sequence change is unknown.

NM_016239.4(MYO15A):c.6314G>A (p.Arg2105Gln)

Gene: MYO15A (myosin XVA; plus strand). Cytogenetic location: 17p11.2.
Variant type: single nucleotide variant.
Coding change: c.6314G>A on transcript NM_016239.4 (MANE Select); coding-DNA position 6314, G replaced by A.
Protein change: p.Arg2105Gln; replaces arginine 2105 with glutamine.
Molecular consequence: missense variant.
Genome position (GRCh38, 1-based): chr17:18,145,912, G>A. VCF-style: chr17-18145912-G-A. GRCh37 (hg19) VCF-style: chr17-18049226-G-A.
Other names: short protein forms R2105Q.
Identifiers: ClinVar variation 3342449 (VCV003342449.3).